The following is an entry in ClinVar:

ClinVar aggregate classification (germline): Benign/Likely benign. Review status: criteria provided, multiple submitters, no conflicts (2 of 4 stars). 3 submissions from 3 submitters: Benign (1); Likely benign (2). Last evaluated 2026-01-22.

Allele frequency attached by ClinVar (database versions not stated): gnomAD exomes 0.00006 and 0.00020; ESP Exome Variant Server 0.00009; TOPMed 0.00010; ExAC 0.00020.
gnomAD v4.1: 85 of 1,117,443 alleles (0.0076%); highest among the groups gnomAD compares: Non-Finnish European, 0.00062%; no homozygotes.

Submissions (3):

Labcorp Genetics (formerly Invitae), Labcorp
Classification: Benign. Last evaluated: 2026-01-22. Review status: criteria provided, single submitter. Criteria: Invitae Variant Classification Sherloc (09022015). Collection method: clinical testing. Allele origin: germline.

Blueprint Genetics
Classification: Likely benign. Last evaluated: 2024-01-18. Review status: criteria provided, single submitter. Criteria: ACMG Guidelines, 2015. Collection method: clinical testing. Allele origin: germline.

CeGaT Center for Human Genetics Tuebingen
Classification: Likely benign. Last evaluated: 2023-07-01. Review status: criteria provided, single submitter. Criteria: CeGaT Center For Human Genetics Tuebingen Variant Classification Criteria Version 2. Collection method: clinical testing. Allele origin: germline. Affected: yes. Observed: 1 variant allele.
Comment: NONO: BP4, BS2

NM_007363.5(NONO):c.1131+8T>C

Gene: NONO (non-POU domain containing octamer binding; plus strand). Cytogenetic location: Xq13.1.
Variant type: single nucleotide variant.
Coding change: c.1131+8T>C on transcript NM_007363.5 (MANE Select); 8 bases into the intron after coding-DNA position 1131, T replaced by C.
Molecular consequence: intron variant.
Genome position (GRCh38, 1-based): chrX:71,297,946, T>C. VCF-style: chrX-71297946-T-C. GRCh37 (hg19) VCF-style: chrX-70517796-T-C.
Other names: c.1131+8T>C (NM_001145408.2, NM_001145409.2); c.864+8T>C (NM_001145410.2).
Identifiers: ClinVar variation 1534781 (VCV001534781.32), dbSNP rs199640347, ClinGen allele CA10446159.
Genomic context (GRCh38, chrX:71,297,946, plus strand): 5'-AAGAAATGATGCGGCGACAGCAGGAAGGATTCAAGGGAACCTTCCCTGATGCGGTATATC[T>C]CCCATGTGCCCGTGATGTACCAGACCAGTCCTGATAAACTCACCATGAATTGTCTGCTAG-3'